The following is an entry in ClinVar:

ClinVar aggregate classification (germline): Uncertain significance (1 of 4 stars; one submission).

Conditions:
Glucose-6-phosphate transport defect (GSD1B). Also called: Glycogen Storage Disease Type Ib; GSD Ib. Identifiers: Orphanet 364, Orphanet 79259, MedGen C0268146, MONDO:0009288, OMIM 232220.

Submission:

Labcorp Genetics (formerly Invitae), Labcorp
Classification: Uncertain significance for Glucose-6-phosphate transport defect. Last evaluated: 2020-11-30. Review status: criteria provided, single submitter. Criteria: Invitae Variant Classification Sherloc (09022015). Collection method: clinical testing. Allele origin: germline.
Comment: This variant has been observed in individual(s) with clinical features of glycogen storage disease (Invitae). It has also been observed to segregate with disease in related individuals. This variant is not present in population databases (ExAC no frequency). This sequence change replaces glycine with valine at codon 50 of the SLC37A4 protein (p.Gly50Val). The glycine residue is highly conserved and there is a moderate physicochemical difference between glycine and valine. Experimental studies and prediction algorithms are not available or were not evaluated, and the functional significance of this variant is currently unknown. Algorithms developed to predict the effect of sequence changes on RNA splicing suggest that this variant may disrupt the consensus splice site, but this prediction has not been confirmed by published transcriptional studies. In summary, the available evidence is currently insufficient to determine the role of this variant in disease. Therefore, it has been classified as a Variant of Uncertain Significance. This variant disrupts the p.Gly50 amino acid residue in SLC37A4. Other variant(s) that disrupt this residue have been observed in individuals with SLC37A4-related conditions (PMID: 21629566, 28224773), which suggests that this may be a clinically significant amino acid residue.

Literature cited by the submitters: PubMed 21629566; PubMed 28224773.

NM_001164277.2(SLC37A4):c.149G>T (p.Gly50Val)

Gene: SLC37A4 (solute carrier family 37 member 4; minus strand). Cytogenetic location: 11q23.3.
Variant type: single nucleotide variant.
Coding change: c.149G>T on transcript NM_001164277.2 (MANE Select); coding-DNA position 149, G replaced by T.
Protein change: p.Gly50Val; replaces glycine 50 with valine.
Molecular consequence: missense variant. On other transcripts: 5 prime UTR variant (1).
Genome position (GRCh38, 1-based): chr11:119,028,426, C>A on the plus strand (G>T on the coding strand, the complement: SLC37A4 is on the minus strand). VCF-style: chr11-119028426-C-A. GRCh37 (hg19) VCF-style: chr11-118899136-C-A.
Other names: c.149G>T, p.Gly50Val (NM_001164278.2, NM_001164280.2, NM_001467.6); c.-71G>T (NM_001164279.2); short protein forms G50V.
Identifiers: ClinVar variation 1017715 (VCV001017715.7), dbSNP rs193302877, ClinGen allele CA382906642.
Genomic context (GRCh38, chr11:119,028,426, plus strand): 5'-AGCACCCCACTGACAAACTTGCTGATAGCATAAGCTGCCGACTGGCTGCTGGTGATGAAC[C>A]CTGCAGGGAACATTACACTTAGGGGTTAGGGACCAGGGGAGAAACACAGGAGCAATGAAA-3'
Protein context (NP_001157749.1, residues 40-60): EEIPLDKDDL[Gly50Val]FITSSQSAAY